The following is an entry in ClinVar:

NM_001146262.4(SYT14):c.61+13262G>A

Gene: SYT14 (synaptotagmin 14; plus strand). Cytogenetic location: 1q32.2.
Variant type: single nucleotide variant.
Coding change: c.61+13262G>A on transcript NM_001146262.4 (MANE Select); 13262 bases into the intron after coding-DNA position 61, G replaced by A.
Molecular consequence: intron variant.
Genome position (GRCh38, 1-based): chr1:209,966,018, G>A. VCF-style: chr1-209966018-G-A. GRCh37 (hg19) VCF-style: chr1-210139363-G-A.
Other names: c.-989+12759G>A (NM_001397545.1); c.-54+12759G>A (NM_001256006.3); c.196+5G>A (NM_001146261.4, NM_001146264.4); c.-989+13262G>A (NM_001397544.1); c.61+13262G>A (NM_153262.5).
Identifiers: ClinVar variation 3571974 (VCV003571974.2).

ClinVar aggregate classification (germline): Uncertain significance (1 of 4 stars; one submission).

gnomAD v4.1: 134 of 433,658 alleles (0.031%); highest among the groups gnomAD compares: Middle Eastern, 0.064%; no homozygotes.

Submission:

Athena Diagnostics
Classification: Uncertain significance. Last evaluated: 2025-08-21. Review status: criteria provided, single submitter. Criteria: Athena Diagnostics Criteria. Collection method: clinical testing. Allele origin: unknown.
Comment: Available data are insufficient to determine the clinical significance of the variant at this time. The frequency of this variant in the general population is uninformative in assessment of its pathogenicity. Computational tools yielded predictions that this variant may interfere with normal RNA splicing.